The following is an entry in ClinVar:

ClinVar aggregate classification (germline): Uncertain significance (1 of 4 stars; one submission).

Conditions:
Epidermolysis bullosa simplex 3, localized or generalized intermediate, with BP230 deficiency (EBS3). Also called: Epidermolysis bullosa simplex, autosomal recessive 2; Epidermolysis bullosa simplex due to BP230 deficiency. Identifiers: Orphanet 412181, MedGen C3809470, MONDO:0014180, OMIM 615425.
Hereditary sensory and autonomic neuropathy type 6. Also called: Neuropathy, hereditary sensory and autonomic, type VI; HSAN VI. Identifiers: Orphanet 314381, MedGen C3539003, MONDO:0013839, OMIM 614653.

Allele frequency attached by ClinVar (database versions not stated): ExAC 0.00001; gnomAD 0.00001; gnomAD exomes 0.00002 and 0.00005; TOPMed 0.00002.
gnomAD v4.1: 65 of 1,609,596 alleles (0.004%); highest among the groups gnomAD compares: Non-Finnish European, 0.0053%; no homozygotes.

Submission:

Labcorp Genetics (formerly Invitae), Labcorp
Classification: Uncertain significance for Epidermolysis bullosa simplex 3, localized or generalized intermediate, with BP230 deficiency; Hereditary sensory and autonomic neuropathy type 6. Last evaluated: 2021-08-27. Review status: criteria provided, single submitter. Criteria: Invitae Variant Classification Sherloc (09022015). Collection method: clinical testing. Allele origin: germline.
Comment: This sequence change replaces isoleucine with valine at codon 2161 of the DST protein (p.Ile2161Val). The isoleucine residue is highly conserved and there is a small physicochemical difference between isoleucine and valine. This variant is present in population databases (rs769217153, ExAC 0.002%). This variant has not been reported in the literature in individuals affected with DST-related conditions. Algorithms developed to predict the effect of missense changes on protein structure and function are either unavailable or do not agree on the potential impact of this missense change (SIFT: "Deleterious"; PolyPhen-2: "Benign"; Align-GVGD: "Class C25"). In summary, the available evidence is currently insufficient to determine the role of this variant in disease. Therefore, it has been classified as a Variant of Uncertain Significance.

NM_001723.7(DST):c.6481A>G (p.Ile2161Val)

Gene: DST (dystonin; minus strand). Cytogenetic location: 6p12.1.
Variant type: single nucleotide variant.
Coding change: c.6481A>G on transcript NM_001723.7 (MANE Plus Clinical); coding-DNA position 6481, A replaced by G.
Protein change: p.Ile2161Val; replaces isoleucine 2161 with valine.
Molecular consequence: missense variant. On other transcripts: intron variant (10).
Genome position (GRCh38, 1-based): chr6:56,616,986, T>C on the plus strand (A>G on the coding strand, the complement: DST is on the minus strand). VCF-style: chr6-56616986-T-C. GRCh37 (hg19) VCF-style: chr6-56481784-T-C.
Other names: c.4831-2502A>G (NM_001144769.5); c.4930-2502A>G (NM_001374722.1, NM_001374736.1); c.4957-2502A>G (NM_001374734.1); c.4417-2502A>G (NM_001144770.2); c.4297-2502A>G (NM_001374730.1, NM_001386100.1, NM_183380.4 and 1 more transcripts); c.3319-2502A>G (NM_015548.5); short protein forms I2161V.
Identifiers: ClinVar variation 961417 (VCV000961417.7), dbSNP rs769217153, ClinGen allele CA3870154.